The following is an entry in ClinVar:

ClinVar aggregate classification (germline): Pathogenic. Review status: criteria provided, multiple submitters, no conflicts (2 of 4 stars). 4 submissions from 4 submitters: Pathogenic (4). Last evaluated 2025-09-17.

Conditions:
Hereditary retinoblastoma. Identifiers: Orphanet 357027, MedGen C0751483, MONDO:0018160.
Retinoblastoma (RB1). Also called: RETINOBLASTOMA, SOMATIC. Identifiers: Orphanet 790, MedGen C0035335, MeSH D012175, MONDO:0008380, OMIM 180200, HP:0009919. Disease mechanism: loss of function. Inheritance: Both sporadic and heritable forms are tested..

Submissions (4):

Ramesar Group, Division of Human Genetics, Institute of Infectious Diseases and Molecular Medicine, UCT/MRC Genomic and Precision Medicine Research Unit, University of Cape Town
Classification: Pathogenic for Hereditary retinoblastoma. Last evaluated: 2025-09-17. Review status: criteria provided, single submitter. Criteria: ACMG Guidelines, 2015. Collection method: research. Allele origin: germline. Affected: yes. Observed: 1 variant allele.
Comment: PVS1: Null variant (nonsense) in a gene (RB1) where LOF is a known mechanism of disease PM2: Absent from gnomAD and ExAC PP4: Patient presents with bilateral retinoblastoma PP5: Reported as pathogenic in ClinVar and the LOVD

Genetic Diagnostic Laboratory, University of Pennsylvania School of Medicine
Classification: Pathogenic for Retinoblastoma. Last evaluated: 2024-05-20. Review status: criteria provided, single submitter. Criteria: ACMG Guidelines, 2015. Collection method: clinical testing. Allele origin: germline. Affected: yes. Observed: 3 variant alleles.
Comment: Case and Pedigree Information: BILATERAL CASES:3, UNILATERAL CASES:0, TOTAL CASES:3, PEDIGREES:3. ACMG Codes Applied:PVS1, PM2, PS4SUP

Labcorp Genetics (formerly Invitae), Labcorp
Classification: Pathogenic for Retinoblastoma. Last evaluated: 2023-10-17. Review status: criteria provided, single submitter. Criteria: Invitae Variant Classification Sherloc (09022015). Collection method: clinical testing. Allele origin: germline.
Comment: This sequence change creates a premature translational stop signal (p.Glu137*) in the RB1 gene. It is expected to result in an absent or disrupted protein product. Loss-of-function variants in RB1 are known to be pathogenic (PMID: 17096365). This variant is not present in population databases (gnomAD no frequency). This premature translational stop signal has been observed in individuals with retinoblastoma (PMID: 8651278, 12173465, 22963398). ClinVar contains an entry for this variant (Variation ID: 126810). For these reasons, this variant has been classified as Pathogenic.

Genetics and Molecular Pathology, SA Pathology
Classification: Pathogenic for Retinoblastoma. Last evaluated: 2020-11-10. Review status: criteria provided, single submitter. Criteria: ACMG Guidelines, 2015. Collection method: clinical testing. Allele origin: germline. Affected: yes.

Literature cited by the submitters: PubMed 17096365 (cited by Labcorp Genetics (formerly Invitae), Labcorp); PubMed 8651278 (cited by Labcorp Genetics (formerly Invitae), Labcorp); PubMed 12173465 (cited by Labcorp Genetics (formerly Invitae), Labcorp); PubMed 22963398 (cited by Labcorp Genetics (formerly Invitae), Labcorp).

NM_000321.3(RB1):c.409G>T (p.Glu137Ter)

Gene: RB1 (RB transcriptional corepressor 1; plus strand). Cytogenetic location: 13q14.2.
Variant type: single nucleotide variant.
Coding change: c.409G>T on transcript NM_000321.3 (MANE Select); coding-DNA position 409, G replaced by T.
Protein change: p.Glu137Ter; replaces glutamic acid 137 with a stop codon.
Molecular consequence: nonsense.
Genome position (GRCh38, 1-based): chr13:48,345,108, G>T. VCF-style: chr13-48345108-G-T. GRCh37 (hg19) VCF-style: chr13-48919244-G-T.
Other names: L11910:g.41954G>T; short protein forms E137*.
Identifiers: ClinVar variation 126810 (VCV000126810.11), dbSNP rs121913296, ClinGen allele CA026454.
Genomic context (GRCh38, chr13:48,345,108, plus strand): 5'-TGATTTACTTTTTTCTATTCTTTCCTTTGTAGTGTCCATAAATTCTTTAACTTACTAAAA[G>T]AAATTGATACCAGTACCAAAGTTGATAATGCTATGTCAAGACTGTTGAAGAAGTATGATG-3'